The following is an entry in ClinVar:

ClinVar aggregate classification (germline): Uncertain significance (1 of 4 stars; one submission).

Submission:

Labcorp Genetics (formerly Invitae), Labcorp
Classification: Uncertain significance. Last evaluated: 2023-06-21. Review status: criteria provided, single submitter. Criteria: Invitae Variant Classification Sherloc (09022015). Collection method: clinical testing. Allele origin: germline.
Comment: This variant, c.5786_5791dup, results in the insertion of 2 amino acid(s) of the POLE protein (p.Ser1930_Ser1931insPheSer), but otherwise preserves the integrity of the reading frame. This variant is not present in population databases (gnomAD no frequency). This variant has not been reported in the literature in individuals affected with POLE-related conditions. In summary, the available evidence is currently insufficient to determine the role of this variant in disease. Therefore, it has been classified as a Variant of Uncertain Significance.

NM_006231.4(POLE):c.5786_5791dup (p.Ser1930_Ser1931insPheSer)

Gene: POLE (DNA polymerase epsilon, catalytic subunit; minus strand). Cytogenetic location: 12q24.33.
Variant type: Duplication.
Coding change: c.5786_5791dup on transcript NM_006231.4 (MANE Select); coding-DNA positions 5786 to 5791, 6 bases duplicated (TTTCAT; older notation c.5786_5791dupTTTCAT).
Protein change: p.Ser1930_Ser1931insPheSer.
Molecular consequence: inframe insertion.
Genome position (GRCh38, 1-based): chr12:132,635,912-132,635,917, ATGAAA duplicated on the plus strand (TTTCAT on the coding strand, the reverse complement: POLE is on the minus strand). VCF-style (leftmost placement, unchanged base first): chr12-132635911-G-GATGAAA. GRCh37 (hg19) VCF-style: chr12-133212497-G-GATGAAA.
Identifiers: ClinVar variation 3017159 (VCV003017159.3), dbSNP rs2541863128, ClinGen allele CA2740097630.